The following is an entry in ClinVar:

ClinVar aggregate classification (germline): Uncertain significance. Review status: criteria provided, multiple submitters, no conflicts (2 of 4 stars). 3 submissions from 3 submitters: Uncertain significance (3). Last evaluated 2025-02-20.

Conditions:
Congenital disorder of glycosylation type Ir (CDG1R). Also called: DDOST-congenital disorder of glycosylation. Identifiers: Orphanet 300536, MedGen C3281084, MONDO:0013789, OMIM 614507.

Allele frequency attached by ClinVar (database versions not stated): gnomAD exomes 0.00001 and 0.00002; TOPMed 0.00002; gnomAD 0.00004; ExAC 0.00005.
gnomAD v4.1: 25 of 1,554,560 alleles (0.0016%); highest among the groups gnomAD compares: East Asian, 0.0097%; no homozygotes.

Submissions (3):

Labcorp Genetics (formerly Invitae), Labcorp
Classification: Uncertain significance for Congenital disorder of glycosylation type Ir. Last evaluated: 2025-02-20. Review status: criteria provided, single submitter. Criteria: Invitae Variant Classification Sherloc (09022015). Collection method: clinical testing. Allele origin: germline.
Comment: This sequence change replaces arginine, which is basic and polar, with histidine, which is basic and polar, at codon 254 of the DDOST protein (p.Arg254His). This variant is present in population databases (rs774094300, gnomAD 0.004%). This variant has not been reported in the literature in individuals affected with DDOST-related conditions. ClinVar contains an entry for this variant (Variation ID: 1002236). Invitae Evidence Modeling of protein sequence and biophysical properties (such as structural, functional, and spatial information, amino acid conservation, physicochemical variation, residue mobility, and thermodynamic stability) indicates that this missense variant is expected to disrupt DDOST protein function with a positive predictive value of 80%. In summary, the available evidence is currently insufficient to determine the role of this variant in disease. Therefore, it has been classified as a Variant of Uncertain Significance.

GeneDx
Classification: Uncertain significance. Last evaluated: 2024-07-29. Review status: criteria provided, single submitter. Criteria: GeneDx Variant Classification Process June 2021. Collection method: clinical testing. Allele origin: germline. Affected: yes.
Comment: Not observed at significant frequency in large population cohorts (gnomAD); In silico analysis supports that this missense variant has a deleterious effect on protein structure/function; Has not been previously published as pathogenic or benign to our knowledge

Baylor Genetics
Classification: Uncertain significance for Congenital disorder of glycosylation type Ir. Last evaluated: 2019-12-13. Review status: criteria provided, single submitter. Criteria: ACMG Guidelines, 2015. Collection method: clinical testing. Allele origin: unknown. Affected: yes.
Comment: This variant was determined to be of uncertain significance according to ACMG Guidelines, 2015 [PMID:25741868].

NM_005216.5(DDOST):c.710G>A (p.Arg237His)

Gene: DDOST (dolichyl-diphosphooligosaccharide--protein glycosyltransferase non-catalytic subunit; minus strand). Cytogenetic location: 1p36.12.
Variant type: single nucleotide variant.
Coding change: c.710G>A on transcript NM_005216.5 (MANE Select); coding-DNA position 710, G replaced by A.
Protein change: p.Arg237His; replaces arginine 237 with histidine.
Molecular consequence: missense variant.
Genome position (GRCh38, 1-based): chr1:20,654,307, C>T on the plus strand (G>A on the coding strand, the complement: DDOST is on the minus strand). VCF-style: chr1-20654307-C-T. GRCh37 (hg19) VCF-style: chr1-20980800-C-T.
Other names: short protein forms R237H.
Identifiers: ClinVar variation 1002236 (VCV001002236.11), dbSNP rs774094300, ClinGen allele CA661141.
Genomic context (GRCh38, chr1:20,654,307, plus strand): 5'-TGCACTGCTGAGTTGAAGAAGGAGTCGCTGAAGAAGTCGAGGGAGCCGCTGAAGATGACG[C>T]GGGCATTGTTCCTGGCCTGGAGCCCAGCAATGAGGAGGGTGTTCTTCCCCACCGCATGTG-3'
Protein context (NP_005207.3, residues 227-247): IAGLQARNNA[Arg237His]VIFSGSLDFF